The following is an entry in ClinVar:

NM_173660.5(DOK7):c.1023C>G (p.Ala341=)

Gene: DOK7 (docking protein 7; plus strand). Cytogenetic location: 4p16.3.
Variant type: single nucleotide variant.
Coding change: c.1023C>G on transcript NM_173660.5 (MANE Select); coding-DNA position 1023, C replaced by G.
Protein change: p.Ala341=; no amino-acid change (alanine 341 retained).
Molecular consequence: synonymous variant. On other transcripts: 3 prime UTR variant (1).
Genome position (GRCh38, 1-based): chr4:3,493,009, C>G. VCF-style: chr4-3493009-C-G. GRCh37 (hg19) VCF-style: chr4-3494736-C-G.
Other names: c.*244C>G (NM_001164673.2); c.93C>G, p.Ala31= (NM_001256896.2); c.1023C>G, p.Ala341= (NM_001301071.2); c.591C>G, p.Ala197= (NM_001363811.2).
Identifiers: ClinVar variation 3048427 (VCV003048427.2), dbSNP rs773612095, ClinGen allele CA438362491.
Genomic context (GRCh38, chr4:3,493,009, plus strand): 5'-GCTGCGTCCGCGGCAGCTGCAGGAGGTTGGCCGCCAGAGCTCCTCGGACAGCGGCATCGC[C>G]ACTGGCAGCCACTCCTCTTACTCCAGCAGCCTCTCGTCCTACGCGGGCAGCAGCCTGGAC-3'
Protein context (NP_775931.3, residues 331-351): GRQSSSDSGI[Ala341=]TGSHSSYSSS

ClinVar aggregate classification (germline): Likely benign (0 of 4 stars; one submission).

Conditions:
DOK7-related disorder. Also called: DOK7-related condition.

gnomAD v4.1: 8 of 1,564,248 alleles (0.00051%); highest among the groups gnomAD compares: Non-Finnish European, 0.00069%; no homozygotes.

Submission:

PreventionGenetics, part of Exact Sciences
Classification: Likely benign for DOK7-related condition. Last evaluated: 2022-07-08. Review status: no assertion criteria provided. Collection method: clinical testing. Allele origin: germline.
Comment: This variant is classified as likely benign based on ACMG/AMP sequence variant interpretation guidelines (Richards et al. 2015 PMID: 25741868, with internal and published modifications).